The following is an entry in ClinVar:

ClinVar aggregate classification (germline): Likely benign. Review status: criteria provided, single submitter (1 of 4 stars). 2 submissions from 2 submitters: Likely benign (1). 1 of the submissions does not count toward it. Last evaluated 2023-11-05.

Conditions:
ABCA12-related disorder. Also called: ABCA12-related condition.

Allele frequency attached by ClinVar (database versions not stated): gnomAD 0.00001; TOPMed 0.00001.
gnomAD v4.1: 10 of 1,613,128 alleles (0.00062%); highest among the groups gnomAD compares: Non-Finnish European, 0.00085%; no homozygotes.

Submissions (2):

Labcorp Genetics (formerly Invitae), Labcorp
Classification: Likely benign. Last evaluated: 2023-11-05. Review status: criteria provided, single submitter. Criteria: Invitae Variant Classification Sherloc (09022015). Collection method: clinical testing. Allele origin: germline.

PreventionGenetics, part of Exact Sciences
Classification: Likely benign for ABCA12-related condition. Last evaluated: 2021-10-04. Review status: no assertion criteria provided. Collection method: clinical testing. Allele origin: germline. Not counted in ClinVar's aggregate classification.
Comment: This variant is classified as likely benign based on ACMG/AMP sequence variant interpretation guidelines (Richards et al. 2015 PMID: 25741868, with internal and published modifications).

NM_173076.3(ABCA12):c.5571T>A (p.Pro1857=)

Gene: ABCA12 (ATP binding cassette subfamily A member 12; minus strand). Cytogenetic location: 2q35.
Variant type: single nucleotide variant.
Coding change: c.5571T>A on transcript NM_173076.3 (MANE Select); coding-DNA position 5571, T replaced by A.
Protein change: p.Pro1857=; no amino-acid change (proline 1857 retained).
Molecular consequence: synonymous variant. On other transcripts: non-coding transcript variant (1).
Genome position (GRCh38, 1-based): chr2:214,970,392, A>T on the plus strand (T>A on the coding strand, the complement: ABCA12 is on the minus strand). VCF-style: chr2-214970392-A-T. GRCh37 (hg19) VCF-style: chr2-215835116-A-T.
Other names: c.4617T>A, p.Pro1539= (NM_015657.4); c.5571T>A (NM_173076.2).
Identifiers: ClinVar variation 2877543 (VCV002877543.5), dbSNP rs1431845390, ClinGen allele CA431142532.